The following is an entry in ClinVar:

ClinVar aggregate classification (germline): Uncertain significance (1 of 4 stars; one submission).

Conditions:
Familial thoracic aortic aneurysm and aortic dissection (TAAD). Also called: Thoracic aortic aneurysms and dissections. Identifiers: Orphanet 91387, MedGen C4707243, MONDO:0019625.

Submission:

Labcorp Genetics (formerly Invitae), Labcorp
Classification: Uncertain significance for Familial thoracic aortic aneurysm and aortic dissection. Last evaluated: 2016-12-25. Review status: criteria provided, single submitter. Criteria: Invitae Variant Classification Sherloc (09022015). Collection method: clinical testing. Allele origin: germline.
Comment: This sequence change replaces serine with arginine at codon 423 of the SMAD3 protein (p.Ser423Arg). The serine residue is highly conserved and there is a moderate physicochemical difference between serine and arginine. This variant is not present in population databases (ExAC no frequency) and has not been reported in the literature in individuals with a SMAD3-related disease. Algorithms developed to predict the effect of missense changes on protein structure and function do not agree on the potential impact of this missense change (SIFT: "Deleterious"; PolyPhen-2: "Probably Damaging"; Align-GVGD: "Class C0"). In summary, this variant is a novel missense change with uncertain impact on protein function. It has been classified as a Variant of Uncertain Significance.

NM_005902.4(SMAD3):c.1269T>A (p.Ser423Arg)

Gene: SMAD3 (SMAD family member 3; plus strand). Cytogenetic location: 15q22.33.
Variant type: single nucleotide variant.
Coding change: c.1269T>A on transcript NM_005902.4 (MANE Select); coding-DNA position 1269, T replaced by A.
Protein change: p.Ser423Arg; replaces serine 423 with arginine.
Molecular consequence: missense variant.
Genome position (GRCh38, 1-based): chr15:67,190,527, T>A. VCF-style: chr15-67190527-T-A. GRCh37 (hg19) VCF-style: chr15-67482865-T-A.
Other names: c.954T>A, p.Ser318Arg (NM_001145102.2); c.1137T>A, p.Ser379Arg (NM_001145103.2); c.684T>A, p.Ser228Arg (NM_001145104.2); short protein forms S423R, S228R, S318R, S379R.
Identifiers: ClinVar variation 405568 (VCV000405568.1), dbSNP rs1060500772, ClinGen allele CA16614554.